The following is an entry in ClinVar:

ClinVar aggregate classification (germline): Uncertain significance. Review status: criteria provided, multiple submitters, no conflicts (2 of 4 stars). 2 submissions from 2 submitters: Uncertain significance (2). Last evaluated 2025-08-31.

Conditions:
Inborn genetic diseases. Identifiers: MedGen C0950123, MeSH D030342.

gnomAD v4.1: 2 of 1,614,072 alleles (0.00012%); highest among the groups gnomAD compares: African/African-American, 0.0013%; no homozygotes.

Submissions (2):

Ambry Genetics
Classification: Uncertain significance for Inborn genetic diseases. Last evaluated: 2025-08-31. Review status: criteria provided, single submitter. Criteria: Ambry Variant Classification Scheme 2023. Collection method: clinical testing. Allele origin: germline.

Labcorp Genetics (formerly Invitae), Labcorp
Classification: Uncertain significance. Last evaluated: 2023-11-19. Review status: criteria provided, single submitter. Criteria: Invitae Variant Classification Sherloc (09022015). Collection method: clinical testing. Allele origin: germline.
Comment: This sequence change replaces serine, which is neutral and polar, with phenylalanine, which is neutral and non-polar, at codon 241 of the DVL3 protein (p.Ser241Phe). This variant is not present in population databases (gnomAD no frequency). This variant has not been reported in the literature in individuals affected with DVL3-related conditions. Advanced modeling of protein sequence and biophysical properties (such as structural, functional, and spatial information, amino acid conservation, physicochemical variation, residue mobility, and thermodynamic stability) performed at Invitae indicates that this missense variant is expected to disrupt DVL3 protein function with a positive predictive value of 80%. In summary, the available evidence is currently insufficient to determine the role of this variant in disease. Therefore, it has been classified as a Variant of Uncertain Significance.

NM_004423.4(DVL3):c.722C>T (p.Ser241Phe)

Gene: DVL3 (dishevelled segment polarity protein 3; plus strand). Cytogenetic location: 3q27.1.
Variant type: single nucleotide variant.
Coding change: c.722C>T on transcript NM_004423.4 (MANE Select); coding-DNA position 722, C replaced by T.
Protein change: p.Ser241Phe; replaces serine 241 with phenylalanine.
Molecular consequence: missense variant.
Genome position (GRCh38, 1-based): chr3:184,165,450, C>T. VCF-style: chr3-184165450-C-T. GRCh37 (hg19) VCF-style: chr3-183883238-C-T.
Other names: c.722C>T (NM_004423.3); short protein forms S241F.
Identifiers: ClinVar variation 2875098 (VCV002875098.4), dbSNP rs758184432, ClinGen allele CA355408144.